The following is an entry in ClinVar:

NM_001308093.3(GATA4):c.340A>C (p.Thr114Pro)

Gene: GATA4 (GATA binding protein 4). Cytogenetic location: 8p23.1.
Variant type: single nucleotide variant.
Coding change: c.340A>C on transcript NM_001308093.3 (MANE Select); coding-DNA position 340, A replaced by C.
Protein change: p.Thr114Pro; replaces threonine 114 with proline.
Molecular consequence: missense variant. On other transcripts: intron variant (3).
Genome position (GRCh38, 1-based): chr8:11,708,652, A>C. VCF-style: chr8-11708652-A-C. GRCh37 (hg19) VCF-style: chr8-11566161-A-C.
Other names: c.340A>C, p.Thr114Pro (NM_002052.5); c.-6+7874A>C (NM_001308094.2); c.-3+638A>C (NM_001374274.1); c.-3+4348A>C (NM_001374273.1); short protein forms T114P.
Identifiers: ClinVar variation 1731152 (VCV001731152.2), dbSNP rs2486780651, ClinGen allele CA370309423.

ClinVar aggregate classification (germline): Uncertain significance (1 of 4 stars; one submission).

Conditions:
Cardiovascular phenotype. Identifiers: MedGen CN230736.

Submission:

Ambry Genetics
Classification: Uncertain significance for Cardiovascular phenotype. Last evaluated: 2021-11-19. Review status: criteria provided, single submitter. Criteria: Ambry Variant Classification Scheme 2023. Collection method: clinical testing. Allele origin: germline.
Comment: The p.T114P variant (also known as c.340A>C), located in coding exon 1 of the GATA4 gene, results from an A to C substitution at nucleotide position 340. The threonine at codon 114 is replaced by proline, an amino acid with highly similar properties. This amino acid position is conserved. In addition, the in silico prediction for this alteration is inconclusive. Since supporting evidence is limited at this time, the clinical significance of this alteration remains unclear.